The following is an entry in ClinVar:

ClinVar aggregate classification (germline): Uncertain significance (1 of 4 stars; one submission).

Allele frequency attached by ClinVar (database versions not stated): gnomAD exomes below 0.00001; ExAC 0.00001.
gnomAD v4.1: 3 of 1,575,172 alleles (0.00019%); highest among the groups gnomAD compares: East Asian, 0.0022%; no homozygotes.

Submission:

Labcorp Genetics (formerly Invitae), Labcorp
Classification: Uncertain significance. Last evaluated: 2025-08-21. Review status: criteria provided, single submitter. Criteria: Invitae Variant Classification Sherloc (09022015). Collection method: clinical testing. Allele origin: germline.
Comment: This sequence change falls in intron 17 of the KIF23 gene. It does not directly change the encoded amino acid sequence of the KIF23 protein. This variant is present in population databases (rs775119915, gnomAD 0.004%). This variant has not been reported in the literature in individuals affected with KIF23-related conditions. ClinVar contains an entry for this variant (Variation ID: 1406054). Algorithms developed to predict the effect of sequence changes on RNA splicing suggest that this variant may disrupt the consensus splice site. In summary, the available evidence is currently insufficient to determine the role of this variant in disease. Therefore, it has been classified as a Variant of Uncertain Significance.

NM_001367805.3(KIF23):c.2110-10A>G

Gene: KIF23 (kinesin family member 23; plus strand). Cytogenetic location: 15q23.
Variant type: single nucleotide variant.
Coding change: c.2110-10A>G on transcript NM_001367805.3 (MANE Select); 10 bases into the intron before coding-DNA position 2110, A replaced by G.
Molecular consequence: intron variant.
Genome position (GRCh38, 1-based): chr15:69,440,758, A>G. VCF-style: chr15-69440758-A-G. GRCh37 (hg19) VCF-style: chr15-69733097-A-G.
Other names: c.2068-10A>G (NM_138555.4, NM_001367804.2); c.2067+271A>G (NM_004856.7); c.1738-10A>G (NM_001281301.2).
Identifiers: ClinVar variation 1406054 (VCV001406054.8), dbSNP rs775119915, ClinGen allele CA7635328.
Genomic context (GRCh38, chr15:69,440,758, plus strand): 5'-ATAGAAAAGTAATGAATTGTTTCTCTCAGTTTTTCAGTCTTGCTCATTAATTTTTCTCCA[A>G]TTTTTCTAGCTTTCTAGTAACTATATTGCTCAGATTTCCAACGGCCAGCAACTCATGAGC-3'